The following is an entry in ClinVar:

NM_001148.6(ANK2):c.11668G>A (p.Glu3890Lys)

Gene: ANK2 (ankyrin 2; plus strand). Cytogenetic location: 4q26.
Variant type: single nucleotide variant.
Coding change: c.11668G>A on transcript NM_001148.6 (MANE Select); coding-DNA position 11668, G replaced by A.
Protein change: p.Glu3890Lys; replaces glutamic acid 3890 with lysine.
Molecular consequence: missense variant. On other transcripts: intron variant (1).
Genome position (GRCh38, 1-based): chr4:113,373,147, G>A. VCF-style: chr4-113373147-G-A. GRCh37 (hg19) VCF-style: chr4-114294303-G-A.
Other names: c.5029G>A, p.Glu1677Lys (NM_001354277.2, NM_001386157.1); c.2941G>A, p.Glu981Lys (NM_001354278.2, NM_001354281.2); c.2977G>A, p.Glu993Lys (NM_001354279.2, NM_001354282.2); c.2962G>A, p.Glu988Lys (NM_001354280.2); c.11434G>A, p.Glu3812Lys (NM_001386142.1); c.5443G>A, p.Glu1815Lys (NM_001386143.1, NM_001354243.2); c.5551G>A, p.Glu1851Lys (NM_001386144.1); c.5287G>A, p.Glu1763Lys (NM_001386146.1, NM_001386150.1); and 44 more; short protein forms E1705K, E1741K, E1753K, E1762K, E1771K, E1783K, E1798K, E1819K.
Identifiers: ClinVar variation 3696622 (VCV003696622.2).

ClinVar aggregate classification (germline): Uncertain significance (1 of 4 stars; one submission).

Conditions:
Long QT syndrome (LQTS). Identifiers: MedGen C0023976, MeSH D008133, MONDO:0002442. Disease mechanism: loss of function. Inheritance: Various modes of inheritance.

gnomAD v4.1: 2 of 1,614,066 alleles (0.00012%); highest among the groups gnomAD compares: Non-Finnish European, 0.00017%; no homozygotes.

Submission:

Labcorp Genetics (formerly Invitae), Labcorp
Classification: Uncertain significance for Long QT syndrome. Last evaluated: 2024-10-10. Review status: criteria provided, single submitter. Criteria: Invitae Variant Classification Sherloc (09022015). Collection method: clinical testing. Allele origin: germline.
Comment: This sequence change replaces glutamic acid, which is acidic and polar, with lysine, which is basic and polar, at codon 3890 of the ANK2 protein (p.Glu3890Lys). This variant is not present in population databases (gnomAD no frequency). This variant has not been reported in the literature in individuals affected with ANK2-related conditions. An algorithm developed to predict the effect of missense changes on protein structure and function (PolyPhen-2) suggests that this variant is likely to be disruptive. In summary, the available evidence is currently insufficient to determine the role of this variant in disease. Therefore, it has been classified as a Variant of Uncertain Significance.